The following is an entry in ClinVar:

NM_000404.4(GLB1):c.1441G>T (p.Gly481Ter)

Gene: GLB1 (galactosidase beta 1; minus strand). Cytogenetic location: 3p22.3.
Variant type: single nucleotide variant.
Coding change: c.1441G>T on transcript NM_000404.4 (MANE Select); coding-DNA position 1441, G replaced by T.
Protein change: p.Gly481Ter; replaces glycine 481 with a stop codon.
Molecular consequence: nonsense.
Genome position (GRCh38, 1-based): chr3:33,016,747, C>A on the plus strand (G>T on the coding strand, the complement: GLB1 is on the minus strand). VCF-style: chr3-33016747-C-A. GRCh37 (hg19) VCF-style: chr3-33058239-C-A.
Other names: c.1351G>T, p.Gly451Ter (NM_001079811.3); c.1048G>T, p.Gly350Ter (NM_001135602.3); c.1585G>T, p.Gly529Ter (NM_001317040.2); c.1441G>T, p.Gly481Ter (NM_001393580.1); short protein forms G350*, G529*, G451*, G481*.
Identifiers: ClinVar variation 2925350 (VCV002925350.3), dbSNP rs773868843, ClinGen allele CA351988841.

ClinVar aggregate classification (germline): Pathogenic (1 of 4 stars; one submission).

Conditions:
Mucopolysaccharidosis, MPS-IV-B (MPS4B). Also called: Mucopolysaccharidosis type 4B; Mucopolysaccharidosis type IVB (Morquio); MPS IVB; MORQUIO SYNDROME B; Mucopolysaccharidosis type IV B; Mucopolysaccharidosis Type IVB. Identifiers: Orphanet 309310, Orphanet 582, MedGen C0086652, MONDO:0009660, OMIM 253010.
GM1 gangliosidosis. Identifiers: Orphanet 354, MedGen C0085131, MONDO:0018149.

Allele frequency attached by ClinVar (database versions not stated): gnomAD 0.00001.
gnomAD v4.1: 5 of 1,614,000 alleles (0.00031%); highest among the groups gnomAD compares: Non-Finnish European, 0.00042%; no homozygotes.

Submission:

Labcorp Genetics (formerly Invitae), Labcorp
Classification: Pathogenic for Mucopolysaccharidosis, MPS-IV-B; GM1 gangliosidosis. Last evaluated: 2023-10-25. Review status: criteria provided, single submitter. Criteria: Invitae Variant Classification Sherloc (09022015). Collection method: clinical testing. Allele origin: germline.
Comment: This sequence change creates a premature translational stop signal (p.Gly481*) in the GLB1 gene. It is expected to result in an absent or disrupted protein product. Loss-of-function variants in GLB1 are known to be pathogenic (PMID: 18524657). This variant is present in population databases (no rsID available, gnomAD 0.007%). This premature translational stop signal has been observed in individual(s) with GM1-gangliosidosis (PMID: 16941474). For these reasons, this variant has been classified as Pathogenic.

Literature cited by the submitters: PubMed 18524657; PubMed 16941474.